The following is an entry in ClinVar:

ClinVar aggregate classification (germline): Uncertain significance (1 of 4 stars; one submission).

Conditions:
Surfactant metabolism dysfunction, pulmonary, 4 (SMDP4). Also called: CSF2RA DEFICIENCY; PAP DUE TO CSF2RA DEFICIENCY; PULMONARY ALVEOLAR PROTEINOSIS, CONGENITAL, 4. Identifiers: Orphanet 264675, MedGen C2677877, MONDO:0010424, OMIM 300770.

Allele frequency attached by ClinVar (database versions not stated): TOPMed 0.00002; gnomAD 0.00003.
gnomAD v4.1: 27 of 1,613,824 alleles (0.0017%); highest among the groups gnomAD compares: South Asian, 0.0022%; no homozygotes.

Submission:

Labcorp Genetics (formerly Invitae), Labcorp
Classification: Uncertain significance for Surfactant metabolism dysfunction, pulmonary, 4. Last evaluated: 2018-12-18. Review status: criteria provided, single submitter. Criteria: Invitae Variant Classification Sherloc (09022015). Collection method: clinical testing. Allele origin: germline.
Comment: In summary, the available evidence is currently insufficient to determine the role of this variant in disease. Therefore, it has been classified as a Variant of Uncertain Significance. Algorithms developed to predict the effect of missense changes on protein structure and function (SIFT, PolyPhen-2, Align-GVGD) all suggest that this variant is likely to be tolerated, but these predictions have not been confirmed by published functional studies and their clinical significance is uncertain. This variant has not been reported in the literature in individuals with CSF2RA-related disease. This variant is present in population databases (rs150603886, ExAC 0.001%). This sequence change replaces arginine with glycine at codon 390 of the CSF2RA protein (p.Arg390Gly). The arginine residue is weakly conserved and there is a moderate physicochemical difference between arginine and glycine.

NM_172245.4(CSF2RA):c.1168C>G (p.Arg390Gly)

Gene: CSF2RA (colony stimulating factor 2 receptor subunit alpha; plus strand). Cytogenetic location: Xp22.33.
Variant type: single nucleotide variant.
Coding change: c.1168C>G on transcript NM_172245.4 (MANE Select); coding-DNA position 1168, C replaced by G.
Protein change: p.Arg390Gly; replaces arginine 390 with glycine.
Molecular consequence: missense variant. On other transcripts: 3 prime UTR variant (5), non-coding transcript variant (1), intron variant (6).
Genome position (GRCh38, 1-based): chrX:1,309,444, C>G. VCF-style: chrX-1309444-C-G. GRCh37 (hg19) VCF-style: chrX-1428337-C-G.
Other names: c.1168C>G, p.Arg390Gly (NM_001161529.2, NM_001379156.1, NM_001379158.1 and 1 more transcripts); c.1270C>G, p.Arg424Gly (NM_001161530.2, NM_001379153.1, NM_001379154.1); c.769C>G, p.Arg257Gly (NM_001161532.2); c.1138C>G, p.Arg380Gly (NM_001379160.1); c.979C>G, p.Arg327Gly (NM_001379166.1); c.*69C>G (NM_001379167.1, NM_001379168.1, NM_001379169.1 and 2 more transcripts); c.989C>G, p.Pro330Arg (NM_172246.4); c.1125+3917C>G (NM_001379163.1, NM_001379162.1, NM_001379164.1 and 2 more transcripts); and 1 more; short protein forms R390G, P330R, R257G, R424G, R327G, R380G.
Identifiers: ClinVar variation 661286 (VCV000661286.6), dbSNP rs150603886, ClinGen allele CA10331279.